The following is an entry in ClinVar:

NM_001037333.3(CYFIP2):c.1118C>T (p.Thr373Met)

Gene: CYFIP2 (cytoplasmic FMR1 interacting protein 2; plus strand). Cytogenetic location: 5q33.3.
Variant type: single nucleotide variant.
Coding change: c.1118C>T on transcript NM_001037333.3 (MANE Select); coding-DNA position 1118, C replaced by T.
Protein change: p.Thr373Met; replaces threonine 373 with methionine.
Molecular consequence: missense variant.
Genome position (GRCh38, 1-based): chr5:157,314,351, C>T. VCF-style: chr5-157314351-C-T. GRCh37 (hg19) VCF-style: chr5-156741359-C-T.
Other names: c.1040C>T, p.Thr347Met (NM_001291721.2); c.1118C>T, p.Thr373Met (NM_001291722.2, NM_014376.4); short protein forms T347M, T373M.
Identifiers: ClinVar variation 1942985 (VCV001942985.5), dbSNP rs772567936, ClinGen allele CA3533546.

ClinVar aggregate classification (germline): Uncertain significance (1 of 4 stars; one submission).

Allele frequency attached by ClinVar (database versions not stated): ExAC 0.00001; gnomAD exomes 0.00001; TOPMed 0.00001; gnomAD 0.00002.
gnomAD v4.1: 13 of 1,613,400 alleles (0.00081%); highest among the groups gnomAD compares: East Asian, 0.0045%; no homozygotes.

Submission:

Labcorp Genetics (formerly Invitae), Labcorp
Classification: Uncertain significance. Last evaluated: 2025-09-17. Review status: criteria provided, single submitter. Criteria: Invitae Variant Classification Sherloc (09022015). Collection method: clinical testing. Allele origin: germline.
Comment: This sequence change replaces threonine, which is neutral and polar, with methionine, which is neutral and non-polar, at codon 373 of the CYFIP2 protein (p.Thr373Met). This variant is present in population databases (rs772567936, gnomAD 0.004%). This variant has not been reported in the literature in individuals affected with CYFIP2-related conditions. ClinVar contains an entry for this variant (Variation ID: 1942985). Experimental studies and prediction algorithms are not available or were not evaluated, and the functional significance of this variant is currently unknown. In summary, the available evidence is currently insufficient to determine the role of this variant in disease. Therefore, it has been classified as a Variant of Uncertain Significance.